The following is an entry in ClinVar:

ClinVar aggregate classification (germline): Uncertain significance (1 of 4 stars; one submission).

Conditions:
KBG syndrome (KBGS). Also called: ANKRD11-Related KBG Syndrome. Identifiers: Orphanet 2332, MedGen C0220687, MONDO:0007846, OMIM 148050.

gnomAD v4.1: 2 of 1,595,396 alleles (0.00013%); highest among the groups gnomAD compares: South Asian, 0.0022%; no homozygotes.

Submission:

Labcorp Genetics (formerly Invitae), Labcorp
Classification: Uncertain significance for KBG syndrome. Last evaluated: 2023-10-03. Review status: criteria provided, single submitter. Criteria: Invitae Variant Classification Sherloc (09022015). Collection method: clinical testing. Allele origin: germline.
Comment: This sequence change replaces proline, which is neutral and non-polar, with arginine, which is basic and polar, at codon 2028 of the ANKRD11 protein (p.Pro2028Arg). This variant is present in population databases (no rsID available, gnomAD 0.003%). This variant has not been reported in the literature in individuals affected with ANKRD11-related conditions. ClinVar contains an entry for this variant (Variation ID: 2130423). Advanced modeling of protein sequence and biophysical properties (such as structural, functional, and spatial information, amino acid conservation, physicochemical variation, residue mobility, and thermodynamic stability) performed at Invitae indicates that this missense variant is not expected to disrupt ANKRD11 protein function. In summary, the available evidence is currently insufficient to determine the role of this variant in disease. Therefore, it has been classified as a Variant of Uncertain Significance.

NM_013275.6(ANKRD11):c.6083C>G (p.Pro2028Arg)

Gene: ANKRD11 (ankyrin repeat domain 11; minus strand). Cytogenetic location: 16q24.3.
Variant type: single nucleotide variant.
Coding change: c.6083C>G on transcript NM_013275.6 (MANE Select); coding-DNA position 6083, C replaced by G.
Protein change: p.Pro2028Arg; replaces proline 2028 with arginine.
Molecular consequence: missense variant.
Genome position (GRCh38, 1-based): chr16:89,280,459, G>C on the plus strand (C>G on the coding strand, the complement: ANKRD11 is on the minus strand). VCF-style: chr16-89280459-G-C. GRCh37 (hg19) VCF-style: chr16-89346867-G-C.
Other names: c.6083C>G, p.Pro2028Arg (NM_001256182.2, NM_001256183.2); short protein forms P2028R.
Identifiers: ClinVar variation 2130423 (VCV002130423.4), dbSNP rs1387729666, ClinGen allele CA397152108.